The following is an entry in ClinVar:

NM_003079.5(SMARCE1):c.352G>A (p.Glu118Lys)

Gene: SMARCE1 (SWI/SNF related BAF chromatin remodeling complex subunit E1; minus strand). Cytogenetic location: 17q21.2.
Variant type: single nucleotide variant.
Coding change: c.352G>A on transcript NM_003079.5 (MANE Select); coding-DNA position 352, G replaced by A.
Protein change: p.Glu118Lys; replaces glutamic acid 118 with lysine.
Molecular consequence: missense variant.
Genome position (GRCh38, 1-based): chr17:40,636,412, C>T on the plus strand (G>A on the coding strand, the complement: SMARCE1 is on the minus strand). VCF-style: chr17-40636412-C-T. GRCh37 (hg19) VCF-style: chr17-38792664-C-T.
Other names: short protein forms E118K.
Identifiers: ClinVar variation 429563 (VCV000429563.8), dbSNP rs1131691457, ClinGen allele CA399366993.
Genomic context (GRCh38, chr17:40,636,412, plus strand): 5'-GTACTTTACACATTATCTATCCCACTGTGAGCCCCTACCCTACCTTTTCTGCTTCGTATT[C>T]GTTTAAATATTCTTGTTTTTCTTCATCAGTGAGATCTCGCCACATGCCACCAATAATCTT-3'
Protein context (NP_003070.3, residues 108-128): TDEEKQEYLN[Glu118Lys]YEAEKIEYNE

ClinVar aggregate classification (germline): Uncertain significance. Review status: criteria provided, multiple submitters, no conflicts (2 of 4 stars). 3 submissions from 3 submitters: Uncertain significance (3). Last evaluated 2025-03-01.

Conditions:
Hereditary cancer-predisposing syndrome. Also called: Hereditary Cancer Syndrome; Neoplastic Syndromes, Hereditary; Hereditary neoplastic syndrome; Tumor predisposition. Identifiers: Orphanet 140162, MedGen C0027672, MeSH D009386, MONDO:0015356.
Familial meningioma. Also called: Meningioma, familial, susceptibility to. Identifiers: Orphanet 263662, MedGen C3551915, MONDO:0011789, OMIM 607174.

Allele frequency attached by ClinVar (database versions not stated): gnomAD exomes below 0.00001.
gnomAD v4.1: 2 of 1,611,672 alleles (0.00012%); highest among the groups gnomAD compares: Non-Finnish European, 0.00017%; no homozygotes.

Submissions (3):

Ambry Genetics
Classification: Uncertain significance for Hereditary cancer-predisposing syndrome. Last evaluated: 2025-03-01. Review status: criteria provided, single submitter. Criteria: Ambry Variant Classification Scheme 2023. Collection method: clinical testing. Allele origin: germline.
Comment: The p.E118K variant (also known as c.352G>A), located in coding exon 5 of the SMARCE1 gene, results from a G to A substitution at nucleotide position 352. The glutamic acid at codon 118 is replaced by lysine, an amino acid with similar properties. This amino acid position is conserved. In addition, the in silico prediction for this alteration is inconclusive. Based on the available evidence, the clinical significance of this variant remains unclear.

Labcorp Genetics (formerly Invitae), Labcorp
Classification: Uncertain significance for Familial meningioma. Last evaluated: 2023-06-28. Review status: criteria provided, single submitter. Criteria: Invitae Variant Classification Sherloc (09022015). Collection method: clinical testing. Allele origin: germline.
Comment: This variant has not been reported in the literature in individuals affected with SMARCE1-related conditions. This variant is not present in population databases (gnomAD no frequency). This sequence change replaces glutamic acid, which is acidic and polar, with lysine, which is basic and polar, at codon 118 of the SMARCE1 protein (p.Glu118Lys). ClinVar contains an entry for this variant (Variation ID: 429563). In summary, the available evidence is currently insufficient to determine the role of this variant in disease. Therefore, it has been classified as a Variant of Uncertain Significance. Advanced modeling of protein sequence and biophysical properties (such as structural, functional, and spatial information, amino acid conservation, physicochemical variation, residue mobility, and thermodynamic stability) performed at Invitae indicates that this missense variant is expected to disrupt SMARCE1 protein function.

GeneDx
Classification: Uncertain significance. Last evaluated: 2017-05-11. Review status: criteria provided, single submitter. Criteria: GeneDx Variant Classification (06012015). Collection method: clinical testing. Allele origin: germline. Affected: yes.
Comment: The E118K variant in the SMARCE1 gene has not been reported previously as a pathogenic variant, nor as a benign variant, to our knowledge. The E118K variant is not observed in large population cohorts (Lek et al., 2016; 1000 Genomes Consortium et al., 2015; Exome Variant Server). The E118K variant is a non-conservative amino acid substitution, which is likely to impact secondary protein structure as these residues differ in polarity, charge, size and/or other properties. This substitution occurs at a position where amino acids with similar properties to Glutamic acid are tolerated across species. In silico analysis predicts this variant is probably damaging to the protein structure/function. We interpret E118K as a variant of uncertain significance.